The following is an entry in ClinVar:

ClinVar aggregate classification (germline): Benign/Likely benign. Review status: criteria provided, multiple submitters, no conflicts (2 of 4 stars). 14 submissions from 13 submitters: Benign (8); Likely benign (3). 3 of the submissions do not count toward it. Last evaluated 2026-02-03.

Conditions:
Charcot-Marie-Tooth disease. Also called: Charcot-Marie-Tooth Hereditary Neuropathy; Charcot-Marie-Tooth Neuropathy. Identifiers: Orphanet 166, MedGen C0007959, MONDO:0015626.
Charcot-Marie-Tooth disease type 4J (CMT4J). Also called: CHARCOT-MARIE-TOOTH DISEASE, DEMYELINATING, TYPE 4J; Charcot-Marie-Tooth Neuropathy Type 4J; CHARCOT-MARIE-TOOTH DISEASE, AUTOSOMAL RECESSIVE, TYPE 4J. Identifiers: Orphanet 139515, MedGen C1970011, MONDO:0012640, OMIM 611228.
Amyotrophic lateral sclerosis type 11 (ALS11). Identifiers: Orphanet 803, MedGen C2675491, MONDO:0012945, OMIM 612577.
Charcot-Marie-Tooth disease type 4. Also called: Charcot-Marie-Tooth disease, type IV; Charcot-Marie-Tooth, Type 4. Identifiers: Orphanet 64749, MedGen C4082197, MONDO:0018995.

Allele frequency attached by ClinVar (database versions not stated): 1000 Genomes Project 0.00160; 1000 Genomes Project 30x 0.00187; ESP Exome Variant Server 0.00317; TOPMed 0.00394; gnomAD 0.00449 and 0.00462; gnomAD exomes 0.00594; ExAC 0.00811.
gnomAD v4.1: 8,070 of 1,568,830 alleles (0.51%); highest among the groups gnomAD compares: Middle Eastern, 0.5%; 57 homozygotes.

Submissions (14):

Labcorp Genetics (formerly Invitae), Labcorp
Classification: Benign for Charcot-Marie-Tooth disease type 4. Last evaluated: 2026-02-03. Review status: criteria provided, single submitter. Criteria: Invitae Variant Classification Sherloc (09022015). Collection method: clinical testing. Allele origin: germline.

ARUP Laboratories, Molecular Genetics and Genomics, ARUP Laboratories
Classification: Benign. Last evaluated: 2025-01-08. Review status: criteria provided, single submitter. Criteria: ARUP Molecular Germline Variant Investigation Process 2024. Collection method: clinical testing. Allele origin: germline.

Blueprint Genetics
Classification: Likely benign. Last evaluated: 2024-11-25. Review status: criteria provided, single submitter. Criteria: ACMG Guidelines, 2015. Collection method: clinical testing. Allele origin: germline.

Mayo Clinic Laboratories, Mayo Clinic
Classification: Benign. Last evaluated: 2021-07-28. Review status: criteria provided, single submitter. Criteria: ACMG Guidelines, 2015. Collection method: clinical testing. Allele origin: germline. Observed: 48 variant alleles.

Athena Diagnostics
Classification: Benign. Last evaluated: 2018-02-02. Review status: criteria provided, single submitter. Criteria: Athena Diagnostics Criteria. Collection method: clinical testing. Allele origin: germline.

Illumina Laboratory Services, Illumina
Classification: Benign for Amyotrophic lateral sclerosis type 11. Last evaluated: 2018-01-13. Review status: criteria provided, single submitter. Criteria: ICSL Variant Classification Criteria 13 December 2019. Collection method: clinical testing. Allele origin: germline.
Comment: This variant was observed in the ICSL laboratory as part of a predisposition screen in an ostensibly healthy population. It had not been previously curated by ICSL or reported in the Human Gene Mutation Database (HGMD: prior to June 1st, 2018), and was therefore a candidate for classification through an automated scoring system. Utilizing variant allele frequency, disease prevalence and penetrance estimates, and inheritance mode, an automated score was calculated to assess if this variant is too frequent to cause the disease. Based on the score and internal cut-off values, a variant classified as benign is not then subjected to further curation. The score for this variant resulted in a classification of benign for this disease.

Illumina Laboratory Services, Illumina
Classification: Benign for Charcot-Marie-Tooth disease type 4J. Last evaluated: 2018-01-13. Review status: criteria provided, single submitter. Criteria: ICSL Variant Classification Criteria 13 December 2019. Collection method: clinical testing. Allele origin: germline.
Comment: the same text as in the submission from Illumina Laboratory Services, Illumina above.

Eurofins Ntd Llc (ga)
Classification: Benign. Last evaluated: 2016-02-04. Review status: criteria provided, single submitter. Criteria: EGL Classification Definitions 2015. Collection method: clinical testing. Allele origin: germline. Observed: 1 variant allele, 1 heterozygote.

GeneDx
Classification: Benign. Last evaluated: 2015-03-03. Review status: criteria provided, single submitter. Criteria: GeneDx Variant Classification Process June 2021. Collection method: clinical testing. Allele origin: germline. Affected: yes.

Breakthrough Genomics
Classification: Likely benign. Review status: criteria provided, single submitter. Criteria: ACMG Guidelines, 2015. Collection method: not provided. Allele origin: germline. Inheritance: Autosomal recessive inheritance. Affected: yes.

Molecular Genetics Laboratory, London Health Sciences Centre
Classification: Likely benign for Charcot-Marie-Tooth disease. Review status: criteria provided, single submitter. Criteria: ACMG Guidelines, 2015. Collection method: clinical testing. Allele origin: germline. Affected: yes.

Clinical Genetics DNA and cytogenetics Diagnostics Lab, Erasmus MC, Erasmus Medical Center
Classification: Likely benign. Review status: no assertion criteria provided. Collection method: clinical testing. Allele origin: germline. Affected: yes. Study: VKGL Data-share Consensus. Not counted in ClinVar's aggregate classification.

Clinical Genetics, Academic Medical Center
Classification: Benign. Review status: no assertion criteria provided. Collection method: clinical testing. Allele origin: germline. Affected: yes. Study: VKGL Data-share Consensus. Not counted in ClinVar's aggregate classification.

Genome Diagnostics Laboratory, University Medical Center Utrecht
Classification: Benign. Review status: no assertion criteria provided. Collection method: clinical testing. Allele origin: germline. Affected: yes. Study: VKGL Data-share Consensus. Not counted in ClinVar's aggregate classification.

NM_014845.6(FIG4):c.66+10C>T

Gene: FIG4 (FIG4 phosphoinositide 5-phosphatase; plus strand). Cytogenetic location: 6q21.
Variant type: single nucleotide variant.
Coding change: c.66+10C>T on transcript NM_014845.6 (MANE Select); 10 bases into the intron after coding-DNA position 66, C replaced by T.
Molecular consequence: intron variant.
Genome position (GRCh38, 1-based): chr6:109,691,511, C>T. VCF-style: chr6-109691511-C-T. GRCh37 (hg19) VCF-style: chr6-110012714-C-T.
Other names: p.?.
Identifiers: ClinVar variation 220332 (VCV000220332.30), dbSNP rs200063827, ClinGen allele CA348472.